The following is an entry in ClinVar:

ClinVar aggregate classification (germline): Uncertain significance. Review status: criteria provided, multiple submitters, no conflicts (2 of 4 stars). 7 submissions from 7 submitters: Uncertain significance (6). 1 of the submissions does not count toward it. Last evaluated 2026-02-20.

Conditions:
DDX41-related hematologic malignancy predisposition syndrome. Also called: Myeloproliferative/lymphoproliferative neoplasms, familial (multiple types), susceptibility to; DDX41-Associated Familial Myelodysplastic Syndrome and Acute Myeloid Leukemia. Identifiers: Orphanet 488647, MedGen C4225174, MONDO:0014809, OMIM 616871.
Inborn genetic diseases. Identifiers: MedGen C0950123, MeSH D030342.

Allele frequency attached by ClinVar (database versions not stated): TOPMed 0.00003; ExAC 0.00006; ESP Exome Variant Server 0.00008; gnomAD 0.00001.

Submissions (7):

St. Jude Molecular Pathology, St. Jude Children's Research Hospital
Classification: Uncertain significance for DDX41-related hematologic malignancy predisposition syndrome. Last evaluated: 2026-02-20. Review status: criteria provided, single submitter. Criteria: St. Jude Assertion Criteria 2020. Collection method: clinical testing. Allele origin: germline.
Comment: The DDX41 c.616C>G p.(Pro206Ala) missense change has a maximum subpopulation frequency of 0.01% in gnomAD v2.1.1. The in silico tool REVEL predicts a benign effect on protein function, but to our knowledge this prediction has not been confirmed by functional studies. This variant has been reported in individuals with myeloproliferative/lymphoproliferative neoplasms (PMID: 37199125, 37154083). In summary, the evidence currently available is insufficient to determine the clinical significance of this variant. It has therefore been classified as of uncertain significance.

Labcorp Genetics (formerly Invitae), Labcorp
Classification: Uncertain significance. Last evaluated: 2025-10-11. Review status: criteria provided, single submitter. Criteria: Invitae Variant Classification Sherloc (09022015). Collection method: clinical testing. Allele origin: germline.
Comment: This sequence change replaces proline, which is neutral and non-polar, with alanine, which is neutral and non-polar, at codon 206 of the DDX41 protein (p.Pro206Ala). This variant is present in population databases (rs373575560, gnomAD 0.01%). This missense change has been observed in individual(s) with clinical features of DDX41-related conditions (PMID: 37154083, 37199125). ClinVar contains an entry for this variant (Variation ID: 2443109). An algorithm developed to predict the effect of missense changes on protein structure and function (PolyPhen-2) suggests that this variant is likely to be disruptive. In summary, the available evidence is currently insufficient to determine the role of this variant in disease. Therefore, it has been classified as a Variant of Uncertain Significance.

Ambry Genetics
Classification: Uncertain significance for Inborn genetic diseases. Last evaluated: 2025-01-02. Review status: criteria provided, single submitter. Criteria: Ambry Variant Classification Scheme 2023. Collection method: clinical testing. Allele origin: germline.
Comment: The p.P206A variant (also known as c.616C>G), located in coding exon 7 of the DDX41 gene, results from a C to G substitution at nucleotide position 616. The proline at codon 206 is replaced by alanine, an amino acid with highly similar properties. This amino acid position is highly conserved in available vertebrate species. In addition, this alteration is predicted to be tolerated by in silico analysis. Based on the available evidence, the clinical significance of this variant remains unclear.

Molecular Pathology, Peter Maccallum Cancer Centre
Classification: Uncertain significance for DDX41-related hematologic malignancy predisposition syndrome. Last evaluated: 2024-06-13. Review status: criteria provided, single submitter. Criteria: ACMG Guidelines, 2015. Collection method: clinical testing. Allele origin: germline.

Baylor Genetics
Classification: Uncertain significance for DDX41-related hematologic malignancy predisposition syndrome. Last evaluated: 2024-03-19. Review status: criteria provided, single submitter. Criteria: ACMG Guidelines, 2015. Collection method: clinical testing. Allele origin: unknown.

GeneDx
Classification: Uncertain significance. Last evaluated: 2024-03-06. Review status: criteria provided, single submitter. Criteria: GeneDx Variant Classification Process June 2021. Collection method: clinical testing. Allele origin: germline.
Comment: In silico analysis supports that this missense variant has a deleterious effect on protein structure/function; Reported as a germline finding in individuals with hematologic disease (PMID: 37199125, 37154083); This variant is associated with the following publications: (PMID: 37154083, 37199125, 27721487, 37506341)

Genetic Services Laboratory, University of Chicago
Classification: Uncertain significance. Last evaluated: 2022-08-08. Review status: no assertion criteria provided. Collection method: clinical testing. Allele origin: germline. Affected: no. Not counted in ClinVar's aggregate classification.
Comment: DNA sequence analysis of the DDX41 gene demonstrated a sequence change, c.616C>G, in exon 7 that results in an amino acid change, p.Pro206Ala. This sequence change does not appear to have been previously described in individuals with DDX41-related disorders. This sequence change has been described in the gnomAD database with a frequency of 0.01 % in the European subpopulation (dbSNP rs373575560). The p.Pro206Ala change affects a highly conserved amino acid residue located in a domain of the DDX41 protein that is known to be functional. In-silico pathogenicity prediction tools (SIFT, PolyPhen2, Align GVGD, REVEL) provide contradictory results for the p.Pro206Ala substitution. Due to insufficient evidences and the lack of functional studies, the clinical significance of the p.Pro206Ala change remains unknown at this time.

Literature cited by the submitters: PubMed 37154083 (cited by Labcorp Genetics (formerly Invitae), Labcorp); PubMed 37199125 (cited by Labcorp Genetics (formerly Invitae), Labcorp).

NM_016222.4(DDX41):c.616C>G (p.Pro206Ala)

Gene: DDX41 (DEAD-box helicase 41; minus strand). Cytogenetic location: 5q35.3.
Variant type: single nucleotide variant.
Coding change: c.616C>G on transcript NM_016222.4 (MANE Select); coding-DNA position 616, C replaced by G.
Protein change: p.Pro206Ala; replaces proline 206 with alanine.
Molecular consequence: missense variant.
Genome position (GRCh38, 1-based): chr5:177,515,214, G>C on the plus strand (C>G on the coding strand, the complement: DDX41 is on the minus strand). VCF-style: chr5-177515214-G-C. GRCh37 (hg19) VCF-style: chr5-176942215-G-C.
Other names: c.238C>G, p.Pro80Ala (NM_001321732.2, NM_001321830.2); c.616C>G (NM_016222.2); short protein forms P206A, P80A.
Identifiers: ClinVar variation 2443109 (VCV002443109.10), dbSNP rs373575560, ClinGen allele CA3585091.